The following is an entry in ClinVar:

ClinVar aggregate classification (germline): Uncertain significance. Review status: criteria provided, multiple submitters, no conflicts (2 of 4 stars). 2 submissions from 2 submitters: Uncertain significance (2). Last evaluated 2025-10-22.

Conditions:
Inborn genetic diseases. Identifiers: MedGen C0950123, MeSH D030342.

gnomAD v4.1: 7 of 1,614,000 alleles (0.00043%); highest among the groups gnomAD compares: Admixed American, 0.012%; no homozygotes.

Submissions (2):

Ambry Genetics
Classification: Uncertain significance for Inborn genetic diseases. Last evaluated: 2025-10-22. Review status: criteria provided, single submitter. Criteria: Ambry Variant Classification Scheme 2023. Collection method: clinical testing. Allele origin: germline.

Labcorp Genetics (formerly Invitae), Labcorp
Classification: Uncertain significance. Last evaluated: 2021-05-26. Review status: criteria provided, single submitter. Criteria: Invitae Variant Classification Sherloc (09022015). Collection method: clinical testing. Allele origin: germline.
Comment: In summary, the available evidence is currently insufficient to determine the role of this variant in disease. Therefore, it has been classified as a Variant of Uncertain Significance. Algorithms developed to predict the effect of missense changes on protein structure and function (SIFT, PolyPhen-2, Align-GVGD) all suggest that this variant is likely to be tolerated, but these predictions have not been confirmed by published functional studies and their clinical significance is uncertain. This variant has not been reported in the literature in individuals with TBC1D32-related conditions. This variant is present in population databases (rs535817936, ExAC 0.009%). This sequence change replaces methionine with leucine at codon 70 of the TBC1D32 protein (p.Met70Leu). The methionine residue is moderately conserved and there is a small physicochemical difference between methionine and leucine.

NM_152730.6(TBC1D32):c.208A>C (p.Met70Leu)

Gene: TBC1D32 (TBC1 domain family member 32; minus strand). Cytogenetic location: 6q22.31.
Variant type: single nucleotide variant.
Coding change: c.208A>C on transcript NM_152730.6 (MANE Select); coding-DNA position 208, A replaced by C.
Protein change: p.Met70Leu; replaces methionine 70 with leucine.
Molecular consequence: missense variant. On other transcripts: non-coding transcript variant (1).
Genome position (GRCh38, 1-based): chr6:121,321,742, T>G on the plus strand (A>C on the coding strand, the complement: TBC1D32 is on the minus strand). VCF-style: chr6-121321742-T-G. GRCh37 (hg19) VCF-style: chr6-121642888-T-G.
Other names: c.208A>C (NM_152730.4); c.208A>C, p.Met70Leu (NM_001367759.1, NM_001367760.1); short protein forms M70L.
Identifiers: ClinVar variation 1524283 (VCV001524283.9), dbSNP rs535817936, ClinGen allele CA3981575.